The following is an entry in ClinVar:

ClinVar aggregate classification (germline): Uncertain significance (1 of 4 stars; one submission).

Submission:

GeneDx
Classification: Uncertain significance. Last evaluated: 2024-04-11. Review status: criteria provided, single submitter. Criteria: GeneDx Variant Classification Process June 2021. Collection method: clinical testing. Allele origin: germline. Affected: yes.
Comment: Not observed at significant frequency in large population cohorts (gnomAD); In silico analysis supports that this missense variant has a deleterious effect on protein structure/function; Has not been previously published as pathogenic or benign to our knowledge

NM_006946.4(SPTBN2):c.1136A>G (p.Asn379Ser)

Gene: SPTBN2 (spectrin beta, non-erythrocytic 2; minus strand). Cytogenetic location: 11q13.2.
Variant type: single nucleotide variant.
Coding change: c.1136A>G on transcript NM_006946.4 (MANE Select); coding-DNA position 1136, A replaced by G.
Protein change: p.Asn379Ser; replaces asparagine 379 with serine.
Molecular consequence: missense variant.
Genome position (GRCh38, 1-based): chr11:66,708,957, T>C on the plus strand (A>G on the coding strand, the complement: SPTBN2 is on the minus strand). VCF-style: chr11-66708957-T-C. GRCh37 (hg19) VCF-style: chr11-66476428-T-C.
Other names: c.1157A>G, p.Asn386Ser (NM_001411025.1); short protein forms N379S, N386S.
Identifiers: ClinVar variation 3372306 (VCV003372306.1).